The following is an entry in ClinVar:

ClinVar aggregate classification (germline): Uncertain significance. Review status: criteria provided, single submitter (1 of 4 stars). 3 submissions from 3 submitters: Uncertain significance (1). 2 of the submissions do not count toward it. Last evaluated 2025-11-18.

Allele frequency attached by ClinVar (database versions not stated): gnomAD 0.00001 and 0.00002; TOPMed 0.00001; ExAC 0.00002; gnomAD exomes 0.00003.
gnomAD v4.1: 49 of 1,613,436 alleles (0.003%); highest among the groups gnomAD compares: South Asian, 0.0077%; no homozygotes.

Submissions (3):

Labcorp Genetics (formerly Invitae), Labcorp
Classification: Uncertain significance. Last evaluated: 2025-11-18. Review status: criteria provided, single submitter. Criteria: Invitae Variant Classification Sherloc (09022015). Collection method: clinical testing. Allele origin: germline.
Comment: This sequence change replaces arginine, which is basic and polar, with glutamine, which is neutral and polar, at codon 217 of the ACAN protein (p.Arg217Gln). This variant is present in population databases (rs757637229, gnomAD 0.02%). This variant has not been reported in the literature in individuals affected with ACAN-related conditions. ClinVar contains an entry for this variant (Variation ID: 1328370). Invitae Evidence Modeling of protein sequence and biophysical properties (such as structural, functional, and spatial information, amino acid conservation, physicochemical variation, residue mobility, and thermodynamic stability) indicates that this missense variant is not expected to disrupt ACAN protein function with a negative predictive value of 80%. Algorithms developed to predict the effect of sequence changes on RNA splicing suggest that this variant may create or strengthen a splice site. In summary, the available evidence is currently insufficient to determine the role of this variant in disease. Therefore, it has been classified as a Variant of Uncertain Significance.

Joint Genome Diagnostic Labs from Nijmegen and Maastricht, Radboudumc and MUMC+
Classification: Uncertain significance. Review status: no assertion criteria provided. Collection method: clinical testing. Allele origin: germline. Affected: yes. Study: VKGL Data-share Consensus. Not counted in ClinVar's aggregate classification.

Laboratory of Diagnostic Genome Analysis, Leiden University Medical Center (LUMC)
Classification: Uncertain significance. Review status: no assertion criteria provided. Collection method: clinical testing. Allele origin: germline. Affected: yes. Study: VKGL Data-share Consensus. Not counted in ClinVar's aggregate classification.

NM_001369268.1(ACAN):c.650G>A (p.Arg217Gln)

Gene: ACAN (aggrecan; plus strand). Cytogenetic location: 15q26.1.
Variant type: single nucleotide variant.
Coding change: c.650G>A on transcript NM_001369268.1 (MANE Select); coding-DNA position 650, G replaced by A.
Protein change: p.Arg217Gln; replaces arginine 217 with glutamine.
Molecular consequence: missense variant.
Genome position (GRCh38, 1-based): chr15:88,841,760, G>A. VCF-style: chr15-88841760-G-A. GRCh37 (hg19) VCF-style: chr15-89384991-G-A.
Other names: c.650G>A, p.Arg217Gln (NM_001135.4, NM_013227.4); short protein forms R217Q.
Identifiers: ClinVar variation 1328370 (VCV001328370.4), dbSNP rs757637229, ClinGen allele CA7719313.